The following is an entry in ClinVar:

ClinVar aggregate classification (germline): Uncertain significance (1 of 4 stars; one submission).

gnomAD v4.1: 1 of 1,211,935 alleles (0.000083%); no homozygotes.

Submission:

GeneDx
Classification: Uncertain significance. Last evaluated: 2026-07-19. Review status: criteria provided, single submitter. Criteria: GeneDx Variant Classification Process June 2021. Collection method: clinical testing. Allele origin: germline.
Comment: Not observed at significant frequency in large population cohorts (gnomAD); In silico analysis supports that this missense variant has a deleterious effect on protein structure/function; Has not been previously published as pathogenic or benign to our knowledge

NM_004187.5(KDM5C):c.1901G>A (p.Arg634His)

Gene: KDM5C (lysine demethylase 5C; minus strand). Cytogenetic location: Xp11.22.
Variant type: single nucleotide variant.
Coding change: c.1901G>A on transcript NM_004187.5 (MANE Select); coding-DNA position 1901, G replaced by A.
Protein change: p.Arg634His; replaces arginine 634 with histidine.
Molecular consequence: missense variant. On other transcripts: non-coding transcript variant (3).
Genome position (GRCh38, 1-based): chrX:53,201,710, C>T on the plus strand (G>A on the coding strand, the complement: KDM5C is on the minus strand). VCF-style: chrX-53201710-C-T. GRCh37 (hg19) VCF-style: chrX-53230892-C-T.
Other names: c.1700G>A, p.Arg567His (NM_001146702.2); c.1898G>A, p.Arg633His (NM_001282622.3, NM_001353979.2, NM_001353982.2); c.1901G>A, p.Arg634His (NM_001353978.3, NM_001353981.2, NM_001353984.2); short protein forms R567H, R633H, R634H.
Identifiers: ClinVar variation 3370957 (VCV003370957.2).